The following is an entry in ClinVar:

ClinVar aggregate classification (germline): Uncertain significance (1 of 4 stars; one submission).

gnomAD v4.1: 25 of 1,614,064 alleles (0.0015%); highest among the groups gnomAD compares: East Asian, 0.0022%; no homozygotes.

Submission:

Labcorp Genetics (formerly Invitae), Labcorp
Classification: Uncertain significance. Last evaluated: 2024-03-19. Review status: criteria provided, single submitter. Criteria: Invitae Variant Classification Sherloc (09022015). Collection method: clinical testing. Allele origin: germline.
Comment: This sequence change replaces glycine, which is neutral and non-polar, with arginine, which is basic and polar, at codon 287 of the MYLK3 protein (p.Gly287Arg). This variant is present in population databases (rs773638541, gnomAD 0.006%). This variant has not been reported in the literature in individuals affected with MYLK3-related conditions. An algorithm developed to predict the effect of missense changes on protein structure and function (PolyPhen-2) suggests that this variant is likely to be tolerated. In summary, the available evidence is currently insufficient to determine the role of this variant in disease. Therefore, it has been classified as a Variant of Uncertain Significance.

NM_182493.3(MYLK3):c.859G>A (p.Gly287Arg)

Gene: MYLK3 (myosin light chain kinase 3; minus strand). Cytogenetic location: 16q11.2.
Variant type: single nucleotide variant.
Coding change: c.859G>A on transcript NM_182493.3 (MANE Select); coding-DNA position 859, G replaced by A.
Protein change: p.Gly287Arg; replaces glycine 287 with arginine.
Molecular consequence: missense variant. On other transcripts: intron variant (1).
Genome position (GRCh38, 1-based): chr16:46,737,853, C>T on the plus strand (G>A on the coding strand, the complement: MYLK3 is on the minus strand). VCF-style: chr16-46737853-C-T. GRCh37 (hg19) VCF-style: chr16-46771765-C-T.
Other names: c.-23+2204G>A (NM_001308301.1); short protein forms G287R.
Identifiers: ClinVar variation 3693402 (VCV003693402.2).